The following is an entry in ClinVar:

ClinVar aggregate classification (germline): Conflicting classifications of pathogenicity. Review status: criteria provided, conflicting classifications (1 of 4 stars). 3 submissions from 3 submitters: Likely pathogenic (1); Uncertain significance (1). 1 of the submissions does not count toward it. Last evaluated 2022-03-14.

Conditions:
Combined oxidative phosphorylation deficiency 33 (COXPD33). Identifiers: MedGen C4540209, MONDO:0054677, OMIM 617713.

Submissions (3):

Labcorp Genetics (formerly Invitae), Labcorp
Classification: Uncertain significance. Last evaluated: 2022-03-14. Review status: criteria provided, single submitter. Criteria: Invitae Variant Classification Sherloc (09022015). Collection method: clinical testing. Allele origin: germline.
Comment: This variant, c.562_564del, results in the deletion of 1 amino acid(s) of the C1QBP protein (p.Tyr188del), but otherwise preserves the integrity of the reading frame. This variant is present in population databases (rs755568057, gnomAD 0.008%). This variant has been observed in individual(s) with clinical features of combined oxidative phosphorylation deficiency (PMID: 28942965, 32652806). ClinVar contains an entry for this variant (Variation ID: 441246). In summary, the available evidence is currently insufficient to determine the role of this variant in disease. Therefore, it has been classified as a Variant of Uncertain Significance.

GeneDx
Classification: Likely pathogenic. Last evaluated: 2022-01-13. Review status: criteria provided, single submitter. Criteria: GeneDx Variant Classification Process June 2021. Collection method: clinical testing. Allele origin: germline. Affected: yes.
Comment: In-frame deletion of 1 amino acids in a non-repeat region predicted to critically alter the protein; This variant is associated with the following publications: (PMID: 28942965, 32652806, 34419324, 33113594, 33113593)

OMIM
Classification: Pathogenic for COMBINED OXIDATIVE PHOSPHORYLATION DEFICIENCY 33. Last evaluated: 2018-08-16. Review status: no assertion criteria provided. Collection method: literature only. Allele origin: germline. Not counted in ClinVar's aggregate classification.

Literature cited by the submitters: PubMed 28942965 (cited by Labcorp Genetics (formerly Invitae), Labcorp and OMIM); PubMed 32652806 (cited by Labcorp Genetics (formerly Invitae), Labcorp).

NM_001212.4(C1QBP):c.562_564del (p.Tyr188del)

Gene: C1QBP (complement C1q binding protein; minus strand). Cytogenetic location: 17p13.2.
Variant type: Deletion.
Coding change: c.562_564del on transcript NM_001212.4 (MANE Select); coding-DNA positions 562 to 564, 3 bases deleted (TAT; older notation c.562_564delTAT).
Protein change: p.Tyr188del; deletes tyrosine 188.
Molecular consequence: inframe deletion.
Genome position (GRCh38, 1-based): chr17:5,433,681-5,433,683, ATA deleted on the plus strand (TAT on the coding strand, the reverse complement: C1QBP is on the minus strand); deleting any 3 consecutive bases within chr17:5,433,681-5,433,685 gives the same sequence; the c. name uses the placement nearest the transcript's 3' end. VCF-style (leftmost placement, unchanged base first): chr17-5433680-GATA-G. GRCh37 (hg19) VCF-style: chr17-5337000-GATA-G.
Other names: C1QBP, 3-BP DEL, 562TAT; c.562_564delTAT (NM_001212.3); short protein forms Y188del.
Identifiers: ClinVar variation 441246 (VCV000441246.5), dbSNP rs755568057, ClinGen allele CA8325251.
Genomic context (GRCh38, chr17:5,433,680, plus strand): 5'-CACACTGTTCCCCAGGGGTGCCAAGAGGCTAGCACTCCATCCTGCATACCTCATCCTCTG[GATA>G]ATGACAGTCCAACACAAGGGCCTTCTTGCCATCATCATTCTTTATAACTTCAACCACGAA-3'